The following is an entry in ClinVar:

NM_002439.5(MSH3):c.2663C>T (p.Ser888Leu)

Gene: MSH3 (mutS homolog 3; plus strand). Cytogenetic location: 5q14.1.
Variant type: single nucleotide variant.
Coding change: c.2663C>T on transcript NM_002439.5 (MANE Select); coding-DNA position 2663, C replaced by T.
Protein change: p.Ser888Leu; replaces serine 888 with leucine.
Molecular consequence: missense variant.
Genome position (GRCh38, 1-based): chr5:80,813,591, C>T. VCF-style: chr5-80813591-C-T. GRCh37 (hg19) VCF-style: chr5-80109410-C-T.
Other names: c.2663C>T (NM_002439.3); short protein forms S888L.
Identifiers: ClinVar variation 1466452 (VCV001466452.9), dbSNP rs1561486630, ClinGen allele CA360273817.

ClinVar aggregate classification (germline): Uncertain significance. Review status: criteria provided, multiple submitters, no conflicts (2 of 4 stars). 2 submissions from 2 submitters: Uncertain significance (2). Last evaluated 2024-07-18.

Conditions:
Hereditary cancer-predisposing syndrome. Also called: Tumor predisposition; Hereditary Cancer Syndrome; Hereditary neoplastic syndrome; Neoplastic Syndromes, Hereditary. Identifiers: Orphanet 140162, MedGen C0027672, MeSH D009386, MONDO:0015356.

gnomAD v4.1: 1 of 1,614,042 alleles (0.000062%); highest among the groups gnomAD compares: Non-Finnish European, 0.000085%; no homozygotes.

Submissions (2):

Labcorp Genetics (formerly Invitae), Labcorp
Classification: Uncertain significance. Last evaluated: 2024-07-18. Review status: criteria provided, single submitter. Criteria: Invitae Variant Classification Sherloc (09022015). Collection method: clinical testing. Allele origin: germline.
Comment: This sequence change replaces serine, which is neutral and polar, with leucine, which is neutral and non-polar, at codon 888 of the MSH3 protein (p.Ser888Leu). This variant is not present in population databases (gnomAD no frequency). This variant has not been reported in the literature in individuals affected with MSH3-related conditions. ClinVar contains an entry for this variant (Variation ID: 1466452). An algorithm developed to predict the effect of missense changes on protein structure and function (PolyPhen-2) suggests that this variant is likely to be disruptive. In summary, the available evidence is currently insufficient to determine the role of this variant in disease. Therefore, it has been classified as a Variant of Uncertain Significance.

Ambry Genetics
Classification: Uncertain significance for Hereditary cancer-predisposing syndrome. Last evaluated: 2023-11-10. Review status: criteria provided, single submitter. Criteria: Ambry Variant Classification Scheme 2023. Collection method: clinical testing. Allele origin: germline.
Comment: The p.S888L variant (also known as c.2663C>T), located in coding exon 20 of the MSH3 gene, results from a C to T substitution at nucleotide position 2663. The serine at codon 888 is replaced by leucine, an amino acid with dissimilar properties. This amino acid position is conserved. In addition, this alteration is predicted to be tolerated by in silico analysis. Since supporting evidence is limited at this time, the clinical significance of this alteration remains unclear.